The following is an entry in ClinVar:

NM_002392.6(MDM2):c.652A>G (p.Ser218Gly)

Gene: MDM2 (MDM2 proto-oncogene; plus strand). Cytogenetic location: 12q15.
Variant type: single nucleotide variant.
Coding change: c.652A>G on transcript NM_002392.6 (MANE Select); coding-DNA position 652, A replaced by G.
Protein change: p.Ser218Gly; replaces serine 218 with glycine.
Molecular consequence: missense variant. On other transcripts: intron variant (2).
Genome position (GRCh38, 1-based): chr12:68,828,899, A>G. VCF-style: chr12-68828899-A-G. GRCh37 (hg19) VCF-style: chr12-69222679-A-G.
Other names: c.634A>G, p.Ser212Gly (NM_001145337.3, NM_001367990.1); c.487A>G, p.Ser163Gly (NM_001145339.2); c.157-6930A>G (NM_001278462.2, NM_001145340.3); short protein forms S163G, S212G, S218G.
Identifiers: ClinVar variation 3017156 (VCV003017156.3), dbSNP rs780006768, ClinGen allele CA6678732.

ClinVar aggregate classification (germline): Uncertain significance (1 of 4 stars; one submission).

Conditions:
Accelerated tumor formation, susceptibility to (ACTFS). Identifiers: MedGen C3280690, OMIM 614401, MONDO:0013733.

Allele frequency attached by ClinVar (database versions not stated): ExAC 0.00001; gnomAD exomes 0.00001; TOPMed 0.00001; gnomAD 0.00002.
gnomAD v4.1: 18 of 1,613,974 alleles (0.0011%); highest among the groups gnomAD compares: Non-Finnish European, 0.0015%; no homozygotes.

Submission:

Labcorp Genetics (formerly Invitae), Labcorp
Classification: Uncertain significance for Accelerated tumor formation, susceptibility to. Last evaluated: 2026-01-26. Review status: criteria provided, single submitter. Criteria: Invitae Variant Classification Sherloc (09022015). Collection method: clinical testing. Allele origin: germline.
Comment: This sequence change replaces serine, which is neutral and polar, with glycine, which is neutral and non-polar, at codon 218 of the MDM2 protein (p.Ser218Gly). This variant is present in population databases (rs780006768, gnomAD 0.003%). This variant has not been reported in the literature in individuals affected with MDM2-related conditions. ClinVar contains an entry for this variant (Variation ID: 3017156). An algorithm developed to predict the effect of missense changes on protein structure and function (PolyPhen-2) suggests that this variant is likely to be disruptive. In summary, the available evidence is currently insufficient to determine the role of this variant in disease. Therefore, it has been classified as a Variant of Uncertain Significance.